The following is an entry in ClinVar:

NM_000245.4(MET):c.2800T>C (p.Leu934=)

Gene: MET (MET proto-oncogene, receptor tyrosine kinase; plus strand). Cytogenetic location: 7q31.2.
Variant type: single nucleotide variant.
Coding change: c.2800T>C on transcript NM_000245.4 (MANE Select); coding-DNA position 2800, T replaced by C.
Protein change: p.Leu934=; no amino-acid change (leucine 934 retained).
Molecular consequence: synonymous variant.
Genome position (GRCh38, 1-based): chr7:116,771,567, T>C. VCF-style: chr7-116771567-T-C. GRCh37 (hg19) VCF-style: chr7-116411621-T-C.
Other names: c.2854T>C (LRG_662t1); c.2854T>C, p.Leu952= (NM_001127500.3); c.1510T>C, p.Leu504= (NM_001324402.2).
Identifiers: ClinVar variation 454225 (VCV000454225.13), dbSNP rs1554398274, ClinGen allele CA457218221.

ClinVar aggregate classification (germline): Benign/Likely benign. Review status: criteria provided, multiple submitters, no conflicts (2 of 4 stars). 3 submissions from 3 submitters: Benign (1); Likely benign (2). Last evaluated 2024-11-12.

Conditions:
Renal cell carcinoma. Identifiers: Orphanet 217071, MedGen C0007134, MeSH D002292, MONDO:0005086, HP:0005584.
Hereditary cancer-predisposing syndrome. Also called: Hereditary Cancer Syndrome; Hereditary neoplastic syndrome; Neoplastic Syndromes, Hereditary; Tumor predisposition. Identifiers: Orphanet 140162, MedGen C0027672, MeSH D009386, MONDO:0015356.
Papillary renal cell carcinoma type 1 (RCCP1). Also called: Renal adenocarcinoma; Renal cell carcinoma 1; Renal cell carcinoma, somatic; RENAL CELL CARCINOMA, PAPILLARY, 1, SOMATIC. Identifiers: Orphanet 47044, MedGen C1336839, OMIM 605074, HP:0011797.

Submissions (3):

Myriad Genetics, Inc.
Classification: Benign for Papillary renal cell carcinoma type 1. Last evaluated: 2024-11-12. Review status: criteria provided, single submitter. Criteria: Myriad Autosomal Dominant, Autosomal Recessive and X-Linked Classification Criteria (2023). Collection method: clinical testing. Allele origin: unknown.
Comment: This variant is considered benign. This variant is a silent/synonymous amino acid change and it is not expected to impact splicing.

Labcorp Genetics (formerly Invitae), Labcorp
Classification: Likely benign for Renal cell carcinoma. Last evaluated: 2022-10-30. Review status: criteria provided, single submitter. Criteria: Invitae Variant Classification Sherloc (09022015). Collection method: clinical testing. Allele origin: germline.

Ambry Genetics
Classification: Likely benign for Hereditary cancer-predisposing syndrome. Last evaluated: 2021-08-11. Review status: criteria provided, single submitter. Criteria: Ambry Variant Classification Scheme 2023. Collection method: clinical testing. Allele origin: germline.